The following is an entry in ClinVar:

NM_012193.4(FZD4):c.766A>G (p.Ile256Val)

Genes: FZD4 (frizzled class receptor 4; minus strand), PRSS23 (serine protease 23; plus strand). Cytogenetic location: 11q14.2.
Variant type: single nucleotide variant.
Coding change: c.766A>G on transcript NM_012193.4 (MANE Select); coding-DNA position 766, A replaced by G.
Protein change: p.Ile256Val; replaces isoleucine 256 with valine.
Molecular consequence: missense variant. On other transcripts: non-coding transcript variant (2).
Genome position (GRCh38, 1-based): chr11:86,951,990, T>C on the plus strand (A>G on the coding strand, the complement: FZD4 is on the minus strand). VCF-style: chr11-86951990-T-C. GRCh37 (hg19) VCF-style: chr11-86663032-T-C.
Other names: short protein forms I256V.
Identifiers: ClinVar variation 5489 (VCV000005489.14), dbSNP rs104894223, ClinGen allele CA117552.
Genomic context (GRCh38, chr11:86,951,990, plus strand): 5'-CTACAGTCAGCCTGACAATATAAGCAATGCTATAAATATTATAGCACATACTGAGAAATA[T>C]GATGGGGCGCTCAGGGTAGGAAAACCTAGAAGAATCGATCAGGAAGGTCAGTACTGTGAA-3'
Protein context (NP_036325.2, residues 246-266): SRFSYPERPI[Ile256Val]FLSMCYNIYS

ClinVar aggregate classification (germline): Conflicting classifications of pathogenicity. Review status: criteria provided, conflicting classifications (1 of 4 stars). 5 submissions from 5 submitters: Uncertain significance (1); Likely benign (2). 2 of the submissions do not count toward it. Last evaluated 2025-10-01.

Conditions:
FZD4-related disorder. Also called: FZD4-related condition.
Retinopathy of prematurity (ROP). Identifiers: Orphanet 90050, MedGen C0035344, MONDO:0006952, HP:0500049.

Allele frequency attached by ClinVar (database versions not stated): TOPMed 0.00041; gnomAD 0.00051 and 0.00054; gnomAD exomes 0.00051; ExAC 0.00056.
gnomAD v4.1: 840 of 1,613,952 alleles (0.052%); highest among the groups gnomAD compares: Non-Finnish European, 0.063%; 1 homozygote.

Submissions (5):

Labcorp Genetics (formerly Invitae), Labcorp
Classification: Likely benign. Last evaluated: 2025-10-01. Review status: criteria provided, single submitter. Criteria: Invitae Variant Classification Sherloc (09022015). Collection method: clinical testing. Allele origin: germline.

Blueprint Genetics
Classification: Likely benign. Last evaluated: 2024-10-02. Review status: criteria provided, single submitter. Criteria: ACMG Guidelines, 2015. Collection method: clinical testing. Allele origin: germline.

GeneDx
Classification: Uncertain significance. Last evaluated: 2024-08-23. Review status: criteria provided, single submitter. Criteria: GeneDx Variant Classification Process June 2021. Collection method: clinical testing. Allele origin: germline. Affected: yes.
Comment: In silico analysis indicates that this missense variant does not alter protein structure/function; This variant is associated with the following publications: (PMID: 34426522, 31589614, 30849938, 32483926, 30250936, 29018668, 15733276)

PreventionGenetics, part of Exact Sciences
Classification: Uncertain significance for FZD4-related condition. Last evaluated: 2024-08-29. Review status: no assertion criteria provided. Collection method: clinical testing. Allele origin: germline. Not counted in ClinVar's aggregate classification.
Comment: The FZD4 c.766A>G variant is predicted to result in the amino acid substitution p.Ile256Val. This variant has been reported in an individual with retinopathy of prematurity (MacDonald et al 2005. PubMed ID: 15733276). This variant is reported in 0.088% of alleles in individuals of European (Non-Finnish) descent in gnomAD, including one homozygous individual in the latest dataset. Although we suspect that this variant may be benign, at this time, the clinical significance of this variant is uncertain due to the absence of conclusive functional and genetic evidence.

OMIM
Classification: Pathogenic for RETINOPATHY OF PREMATURITY. Last evaluated: 2005-04-01. Review status: no assertion criteria provided. Collection method: literature only. Allele origin: germline. Not counted in ClinVar's aggregate classification.

Literature cited by the submitters: PubMed 15733276 (cited by OMIM).